The following is an entry in ClinVar:

NM_024422.6(DSC2):c.825G>A (p.Thr275=)

Gene: DSC2 (desmocollin 2; minus strand). Cytogenetic location: 18q12.1.
Variant type: single nucleotide variant.
Coding change: c.825G>A on transcript NM_024422.6 (MANE Select); coding-DNA position 825, G replaced by A.
Protein change: p.Thr275=; no amino-acid change (threonine 275 retained).
Molecular consequence: synonymous variant.
Genome position (GRCh38, 1-based): chr18:31,086,693, C>T on the plus strand (G>A on the coding strand, the complement: DSC2 is on the minus strand). VCF-style: chr18-31086693-C-T. GRCh37 (hg19) VCF-style: chr18-28666656-C-T.
Other names: c.825G>A, p.Thr275= (NM_004949.5).
Identifiers: ClinVar variation 918777 (VCV000918777.8), dbSNP rs767301887, ClinGen allele CA040157.

ClinVar aggregate classification (germline): Likely benign. Review status: criteria provided, multiple submitters, no conflicts (2 of 4 stars). 4 submissions from 4 submitters: Likely benign (4). Last evaluated 2025-09-28.

Conditions:
Cardiovascular phenotype. Identifiers: MedGen CN230736.
Familial isolated arrhythmogenic right ventricular dysplasia. Identifiers: Orphanet 217656, MedGen C4274968, MONDO:0016342.
Arrhythmogenic right ventricular dysplasia 11. Also called: ARRHYTHMOGENIC RIGHT VENTRICULAR DYSPLASIA, FAMILIAL, 11; Arrhythmogenic Right Ventricular Dysplasia/Cardiomyopathy11; Arrhythmogenic right ventricular dysplasia 11 with mild palmoplantar keratoderma and woolly hair. Identifiers: MedGen C1864850, MONDO:0012506, OMIM 610476.
Cardiomyopathy (CMYO). Also called: Cardiomyopathies. Identifiers: Orphanet 167848, MedGen C0878544, MONDO:0004994, HP:0001638. Inheritance: Various modes of inheritance.

Allele frequency attached by ClinVar (database versions not stated): ExAC 0.00002; gnomAD exomes 0.00001 and 0.00002; gnomAD 0.00001; TOPMed below 0.00001.
gnomAD v4.1: 12 of 1,613,962 alleles (0.00074%); highest among the groups gnomAD compares: East Asian, 0.0022%; no homozygotes.

Submissions (4):

Labcorp Genetics (formerly Invitae), Labcorp
Classification: Likely benign for Arrhythmogenic right ventricular dysplasia 11. Last evaluated: 2025-09-28. Review status: criteria provided, single submitter. Criteria: Invitae Variant Classification Sherloc (09022015). Collection method: clinical testing. Allele origin: germline.

All of Us Research Program, National Institutes of Health
Classification: Likely benign for Familial isolated arrhythmogenic right ventricular dysplasia. Last evaluated: 2024-05-14. Review status: criteria provided, single submitter. Criteria: ACMG Guidelines, 2015. Collection method: clinical testing. Allele origin: germline. Inheritance: Autosomal dominant inheritance. Observed: 1 variant allele, 1 heterozygote.
Comment: This study involves interpretation of variants in research participants for the purpose of population health screening. Participant phenotype was not available at the time of variant classification. Additional details can be found in publication PMID: 35346344, PMCID: PMC8962531

Ambry Genetics
Classification: Likely benign for Cardiovascular phenotype. Last evaluated: 2022-07-06. Review status: criteria provided, single submitter. Criteria: Ambry Variant Classification Scheme 2023. Collection method: clinical testing. Allele origin: germline.

Color Diagnostics, LLC DBA Color Health
Classification: Likely benign for Cardiomyopathy. Last evaluated: 2018-11-30. Review status: criteria provided, single submitter. Criteria: ACMG Guidelines, 2015. Collection method: clinical testing. Allele origin: germline.